The following is an entry in ClinVar:

ClinVar aggregate classification (germline): Likely benign (1 of 4 stars; one submission).

Conditions:
AARS1-related disorder. Also called: AARS1-related condition.

gnomAD v4.1: 1 of 1,613,706 alleles (0.000062%); highest among the groups gnomAD compares: East Asian, 0.0022%; no homozygotes.

Submission:

PreventionGenetics, part of Exact Sciences
Classification: Likely benign for AARS1-related condition. Last evaluated: 2025-09-16. Review status: criteria provided, single submitter. Criteria: ACMG Guidelines, 2015. Collection method: clinical testing. Allele origin: germline.
Comment: This variant is classified as likely benign based on ACMG/AMP sequence variant interpretation guidelines (Richards et al. 2015 PMID: 25741868, with internal and published modifications).

NM_001605.3(AARS1):c.*6G>A

Gene: AARS1 (alanyl-tRNA synthetase 1; minus strand). Cytogenetic location: 16q22.1.
Variant type: single nucleotide variant.
Coding change: c.*6G>A on transcript NM_001605.3 (MANE Select); 6 bases downstream of the stop codon, G replaced by A.
Molecular consequence: 3 prime UTR variant.
Genome position (GRCh38, 1-based): chr16:70,252,715, C>T on the plus strand (G>A on the coding strand, the complement: AARS1 is on the minus strand). VCF-style: chr16-70252715-C-T. GRCh37 (hg19) VCF-style: chr16-70286618-C-T.
Identifiers: ClinVar variation 4982332 (VCV004982332.1).
Genomic context (GRCh38, chr16:70,252,715, plus strand): 5'-TCTTGTAGCAGATGAAGAGCTCTTGGCTGGACGGATGGATCCAGTGGGAGCCTCCTCCTT[C>T]CCCACTCAGTTCTTTACATCCCCGAGGCGCAGCTGGGCGAAGGAAGTGGCCAGCTGCAGC-3'